The following is an entry in ClinVar:

NM_000170.3(GLDC):c.2288G>A (p.Gly763Asp)

Gene: GLDC (glycine decarboxylase; minus strand). Cytogenetic location: 9p24.1.
Variant type: single nucleotide variant.
Coding change: c.2288G>A on transcript NM_000170.3 (MANE Select); coding-DNA position 2288, G replaced by A.
Protein change: p.Gly763Asp; replaces glycine 763 with aspartic acid.
Molecular consequence: missense variant.
Genome position (GRCh38, 1-based): chr9:6,554,696, C>T on the plus strand (G>A on the coding strand, the complement: GLDC is on the minus strand). VCF-style: chr9-6554696-C-T. GRCh37 (hg19) VCF-style: chr9-6554696-C-T.
Other names: short protein forms G763D.
Identifiers: ClinVar variation 1451437 (VCV001451437.8), dbSNP rs1374110692, ClinGen allele CA372880122.

ClinVar aggregate classification (germline): Pathogenic (1 of 4 stars; one submission).

Conditions:
Glycine encephalopathy. Also called: Non-ketotic hyperglycinemia; Nonketotic hyperglycinemia. Identifiers: Orphanet 407, MedGen C0751748, MONDO:0011612, HP:0008288.

Submission:

Labcorp Genetics (formerly Invitae), Labcorp
Classification: Pathogenic for Glycine encephalopathy. Last evaluated: 2021-02-11. Review status: criteria provided, single submitter. Criteria: Invitae Variant Classification Sherloc (09022015). Collection method: clinical testing. Allele origin: germline.
Comment: This sequence change replaces glycine with aspartic acid at codon 763 of the GLDC protein (p.Gly763Asp). The glycine residue is highly conserved and there is a moderate physicochemical difference between glycine and aspartic acid. This variant is not present in population databases (ExAC no frequency). This variant has been observed in individual(s) with glycine encephalopathy (PMID: 27362913). In at least one individual the data is consistent with the variant being in trans (on the opposite chromosome) from a pathogenic variant. Advanced modeling of protein sequence and biophysical properties (such as structural, functional, and spatial information, amino acid conservation, physicochemical variation, residue mobility, and thermodynamic stability) performed at Invitae indicates that this missense variant is expected to disrupt GLDC protein function. For these reasons, this variant has been classified as Pathogenic. Experimental studies have shown that this variant affects GLDC protein function (PMID: 28244183).

Literature cited by the submitters: PubMed 27362913; PubMed 28244183.